The following is an entry in ClinVar:

NM_001040108.2(MLH3):c.2543A>G (p.Glu848Gly)

Gene: MLH3 (mutL homolog 3; minus strand). Cytogenetic location: 14q24.3.
Variant type: single nucleotide variant.
Coding change: c.2543A>G on transcript NM_001040108.2 (MANE Select); coding-DNA position 2543, A replaced by G.
Protein change: p.Glu848Gly; replaces glutamic acid 848 with glycine.
Molecular consequence: missense variant.
Genome position (GRCh38, 1-based): chr14:75,047,113, T>C on the plus strand (A>G on the coding strand, the complement: MLH3 is on the minus strand). VCF-style: chr14-75047113-T-C. GRCh37 (hg19) VCF-style: chr14-75513816-T-C.
Other names: c.2543A>G, p.Glu848Gly (NM_014381.3); short protein forms E848G.
Identifiers: ClinVar variation 2759303 (VCV002759303.3), dbSNP rs2503267401, ClinGen allele CA390439922.

ClinVar aggregate classification (germline): Uncertain significance (1 of 4 stars; one submission).

Conditions:
Colorectal cancer, hereditary nonpolyposis, type 7. Identifiers: Orphanet 144, MedGen C1858380, MONDO:0013725, OMIM 614385.

Submission:

Labcorp Genetics (formerly Invitae), Labcorp
Classification: Uncertain significance for Colorectal cancer, hereditary nonpolyposis, type 7. Last evaluated: 2023-09-09. Review status: criteria provided, single submitter. Criteria: Invitae Variant Classification Sherloc (09022015). Collection method: clinical testing. Allele origin: germline.
Comment: This variant has not been reported in the literature in individuals affected with MLH3-related conditions. This variant is not present in population databases (gnomAD no frequency). This sequence change replaces glutamic acid, which is acidic and polar, with glycine, which is neutral and non-polar, at codon 848 of the MLH3 protein (p.Glu848Gly). An algorithm developed to predict the effect of missense changes on protein structure and function (PolyPhen-2) suggests that this variant is likely to be tolerated. In summary, the available evidence is currently insufficient to determine the role of this variant in disease. Therefore, it has been classified as a Variant of Uncertain Significance.